The following is an entry in ClinVar:

NM_005633.4(SOS1):c.1642A>C (p.Ser548Arg)

Gene: SOS1 (SOS Ras/Rac guanine nucleotide exchange factor 1; minus strand). Cytogenetic location: 2p22.1.
Variant type: single nucleotide variant.
Coding change: c.1642A>C on transcript NM_005633.4 (MANE Select); coding-DNA position 1642, A replaced by C.
Protein change: p.Ser548Arg; replaces serine 548 with arginine.
Molecular consequence: missense variant.
Genome position (GRCh38, 1-based): chr2:39,022,786, T>G on the plus strand (A>C on the coding strand, the complement: SOS1 is on the minus strand). VCF-style: chr2-39022786-T-G. GRCh37 (hg19) VCF-style: chr2-39249927-T-G.
Other names: p.S548R:AGT>CGT; NM_005633.3(SOS1):c.1642A>C; c.1621A>C, p.Ser541Arg (NM_001382394.1); c.1642A>C, p.Ser548Arg (NM_001382395.1); short protein forms S548R, S541R.
Identifiers: ClinVar variation 40678 (VCV000040678.33), dbSNP rs397517149, ClinGen allele CA234977.

ClinVar aggregate classification (germline): Pathogenic. Review status: reviewed by expert panel (3 of 4 stars). 14 submissions from 14 submitters: Pathogenic (1). 13 of the submissions do not count toward it. Last evaluated 2017-04-03.

Conditions:
SOS1-related disorder. Also called: SOS1-related condition.
Noonan syndrome and Noonan-related syndrome. Identifiers: Orphanet 98733, MedGen C5681679, MONDO:0020297.
Cardiovascular phenotype. Identifiers: MedGen CN230736.
RASopathy. Also called: rasopathies; Noonan spectrum disorder. Identifiers: Orphanet 536391, MedGen C5555857, MONDO:0021060.
Noonan syndrome 4 (NS4). Also called: SOS1-Related Noonan Syndrome; NOONAN SYNDROME WITH PIGMENTED VILLONODULAR SYNOVITIS. Identifiers: Orphanet 648, MedGen C1853120, MONDO:0012547, OMIM 610733.
Fibromatosis, gingival, 1 (GINGF1). Identifiers: Orphanet 2024, MedGen C4551558, MONDO:0007609, OMIM 135300.
Noonan syndrome (NS). Also called: Noonan's syndrome. Identifiers: Orphanet 648, MedGen C0028326, MeSH D009634, MONDO:0018997. Disease mechanism: gain of function.
Noonan syndrome 1 (NS1). Also called: TURNER PHENOTYPE WITH NORMAL KARYOTYPE; PTPN11-Related Noonan Syndrome; FEMALE PSEUDO-TURNER SYNDROME. Identifiers: Orphanet 648, MedGen C4551602, MONDO:0008104, OMIM 163950. Disease mechanism: gain of function.

Allele frequency attached by ClinVar (database versions not stated): gnomAD exomes below 0.00001.
gnomAD v4.1: 3 of 1,613,330 alleles (0.00019%); highest among the groups gnomAD compares: Non-Finnish European, 0.00017%; no homozygotes.

Submissions (14):

ClinGen RASopathy Variant Curation Expert Panel
Classification: Pathogenic for Noonan syndrome. Last evaluated: 2017-04-03. Review status: reviewed by expert panel. Criteria: ClinGen RASopathy ACMG Specifications v1. Collection method: curation. Allele origin: germline. Inheritance: Autosomal dominant inheritance.
Comment: The c.1642A>C (p.Ser548Arg) variant in SOS1 has been reported as a confirmed de novo occurrence in a patient with clinical features of a RASopathy (PS2_VeryStrong; PMID 17143282). In vitro functional studies provide some evidence that the p.Ser548Arg variant may impact protein function (PS3; PMID 23487764). This variant was absent from large population studies (PM2; ExAC). The variant is located in the SOS1 gene, which has been defined by the ClinGen RASopathy Expert Panel as a gene with a low rate of benign missense variants and pathogenic missense variants are common (PP2; PMID: 29493581). Furthermore, the variant is in a location that has been defined by the ClinGen RASopathy Expert Panel to be a mutational hotspot or domain of SOS1 (PM1; PMID 29493581). Computational prediction tools and conservation analysis suggest that the p.Ser548Arg variant may impact the protein (PP3). In summary, this variant meets criteria to be classified as pathogenic for RASopathies in an autosomal dominant manner. Rasopathy-specific ACMG/AMP criteria applied (PMID: 29493581): PP2, PP3, PM1, PM2, PS3 PS2_VeryStrong.

Ambry Genetics
Classification: Pathogenic for Cardiovascular phenotype. Last evaluated: 2025-04-14. Review status: criteria provided, single submitter. Criteria: Ambry Variant Classification Scheme 2023. Collection method: clinical testing. Allele origin: germline. Not counted in ClinVar's aggregate classification.
Comment: The p.S548R pathogenic mutation (also known as c.1642A>C), located in coding exon 10 of the SOS1 gene, results from an A to C substitution at nucleotide position 1642. The serine at codon 548 is replaced by arginine, an amino acid with dissimilar properties. This variant was reported in individual(s) with features consistent with SOS1-related RASopathy; in at least one individual, it was determined to be de novo (Tartaglia M et al. Nat Genet, 2007 Jan;39:75-9; Hakami F et al. Prenat Diagn, 2016 May;36:418-23; Chinton J et al. Arch Argent Pediatr, 2019 Oct;117:330-337; Giugliano T et al. Genes (Basel), 2019 Jul;10:[ePub ahead of print]; Leoni C et al. Am J Med Genet A, 2022 Feb;188:431-445; Papadopoulos G et al. Eur J Pediatr, 2022 Oct;181:3691-3700; Swarts JW et al. Am J Med Genet A, 2022 Nov;188:3242-3261; Ambry internal data). This variant is considered to be rare based on population cohorts in the Genome Aggregation Database (gnomAD). In addition, this alteration is predicted to be deleterious by in silico analysis. Based on the supporting evidence, this variant is interpreted as a disease-causing mutation.

Baylor Genetics
Classification: Pathogenic for Noonan syndrome 4. Last evaluated: 2024-02-26. Review status: criteria provided, single submitter. Criteria: ACMG Guidelines, 2015. Collection method: clinical testing. Allele origin: unknown. Not counted in ClinVar's aggregate classification.

Labcorp Genetics (formerly Invitae), Labcorp
Classification: Pathogenic for RASopathy. Last evaluated: 2023-10-22. Review status: criteria provided, single submitter. Criteria: Invitae Variant Classification Sherloc (09022015). Collection method: clinical testing. Allele origin: germline. Not counted in ClinVar's aggregate classification.
Comment: This sequence change replaces serine, which is neutral and polar, with arginine, which is basic and polar, at codon 548 of the SOS1 protein (p.Ser548Arg). This variant is not present in population databases (gnomAD no frequency). This missense change has been observed in individuals with Noonan syndrome (PMID: 17143282, 17143285, 19020799, 19077116, 20186801, 21387466, 22420426, 22465605). ClinVar contains an entry for this variant (Variation ID: 40678). Advanced modeling of protein sequence and biophysical properties (such as structural, functional, and spatial information, amino acid conservation, physicochemical variation, residue mobility, and thermodynamic stability) has been performed at Invitae for this missense variant, however the output from this modeling did not meet the statistical confidence thresholds required to predict the impact of this variant on SOS1 protein function. Experimental studies have shown that this missense change affects SOS1 function (PMID: 20133692, 23487764). For these reasons, this variant has been classified as Pathogenic.

GeneDx
Classification: Pathogenic. Last evaluated: 2022-02-15. Review status: criteria provided, single submitter. Criteria: GeneDx Variant Classification Process June 2021. Collection method: clinical testing. Allele origin: germline. Affected: yes. Not counted in ClinVar's aggregate classification.
Comment: Reported in multiple individuals with Noonan syndrome (Lepri et al., 2011; Hakami et al., 2016; Pierpont et al., 2009; Simsek-Kiper et al., 2013); Published functional studies showed that p.(S548R) exhibited a significant increase in exchange rate of RAS (Smith et al., 2013); Not observed at significant frequency in large population cohorts (gnomAD); Missense variants in this gene are often considered pathogenic (HGMD); In silico analysis supports that this missense variant has a deleterious effect on protein structure/function; Reported in ClinVar as pathogenic by the ClinGen RASopathy Variant Curation Expert Panel (ClinVar Variant ID# 40678; SCV000616385.3 ); This variant is associated with the following publications: (PMID: 17143282, 17143285, 24803665, 26918529, 19077116, 22420426, 28456002, 31370276, 31560489, 29493581, 20133692, 23885229, 22465605, 19020799, 23487764, 21387466)

Provincial Medical Genetics Program of British Columbia, University of British Columbia
Classification: Pathogenic for Noonan syndrome 4. Last evaluated: 2022-01-01. Review status: criteria provided, single submitter. Criteria: ACMG Guidelines, 2015. Collection method: clinical testing. Allele origin: de novo. Affected: yes. Not counted in ClinVar's aggregate classification.

Blueprint Genetics
Classification: Pathogenic for SOS1-related disorders. Last evaluated: 2020-11-20. Review status: criteria provided, single submitter. Criteria: ACMG Guidelines, 2015. Collection method: clinical testing. Allele origin: germline. Affected: yes. Observed: 3 variant alleles. Not counted in ClinVar's aggregate classification.

Genome Diagnostics Laboratory, The Hospital for Sick Children
Classification: Pathogenic for Noonan syndrome and Noonan-related syndrome. Last evaluated: 2020-03-01. Review status: criteria provided, single submitter. Criteria: ACMG Guidelines, 2015. Collection method: clinical testing. Allele origin: germline. Affected: yes. Not counted in ClinVar's aggregate classification.

Fulgent Genetics
Classification: Pathogenic for Fibromatosis, gingival, 1; Noonan syndrome 4. Last evaluated: 2018-10-31. Review status: criteria provided, single submitter. Criteria: ACMG Guidelines, 2015. Collection method: clinical testing. Allele origin: unknown. Not counted in ClinVar's aggregate classification.

Eurofins Ntd Llc (ga)
Classification: Pathogenic. Last evaluated: 2014-01-07. Review status: criteria provided, single submitter. Criteria: EGL Classification Definitions 2015. Collection method: clinical testing. Allele origin: germline. Observed: 1 variant allele, 1 heterozygote. Not counted in ClinVar's aggregate classification.

Laboratory for Molecular Medicine, Mass General Brigham Personalized Medicine
Classification: Pathogenic for Noonan syndrome. Last evaluated: 2006-10-28. Review status: criteria provided, single submitter. Criteria: LMM Criteria. Collection method: clinical testing. Allele origin: germline. Inheritance: Autosomal dominant inheritance. Observed: 8 variant alleles. Not counted in ClinVar's aggregate classification.
Comment: The p.Ser548Arg variant in SOS1 has been reported in >10 individuals with clinic al features of Noonan syndrome and was de novo in at least 2 of these individual s (Tartaglia 2007, Roberts 2007, Lepri 2011, LMM unpublished data). It was absen t from large population studies. In vitro functional studies provide some eviden ce that the p.Ser548Arg variant may impact protein function (Smith et al., 2013) . In summary, this variant meets our criteria to be classified as pathogenic.

Centre for Human Genetics
Classification: Pathogenic for Noonan syndrome 1. Review status: criteria provided, single submitter. Criteria: ACMG Guidelines, 2015. Collection method: clinical testing. Allele origin: de novo. Inheritance: Autosomal dominant inheritance. Affected: yes. Observed: 1 variant allele. Not counted in ClinVar's aggregate classification.
Comment: The c.1642A>C (p.Ser548Arg) variant in SOS1 has been reported by the ClinGen RASopathy Expert Panel as mutational hotspot of SOS1. In silico predictions suggest that this change may impact the protein. This variant is reported as a pathogenic variant in ClinVar (Variation ID: 40678).In summary, this variant meets criteria to be classified as pathogenic for RASopathies in an autosomal dominant manner.

Neuberg Centre For Genomic Medicine, NCGM
Classification: Pathogenic for Noonan syndrome 4. Review status: criteria provided, single submitter. Criteria: ACMG Guidelines, 2015. Collection method: clinical testing. Allele origin: germline. Inheritance: Autosomal dominant inheritance. Affected: yes. Not counted in ClinVar's aggregate classification.
Comment: The missense c.1642A>C p.Ser548Arg variant in the SOS1 gene which is located in a mutational hot spot has been reported previously in a heterozygous state in individuals affected with RASopathies and Noonan syndrome. Published functional studies showed that p.S548R exhibited a significant increase in exchange rate of RAS Santoro et al., 2018; Smith et al., 2013. The amino acid Ser at position 548 is changed to a Arg changing protein sequence and it might alter its composition and physico-chemical properties. This variant has been reported to the ClinVar database as Pathogenic Multiple submitters. Multiple lines of computational evidence Polyphen - Damaging, SIFT - Damaging and MutationTaster - Disease causing predict a damaging effect on protein structure and function for this variant. The amino acid change p.Ser548Arg in SOS1 is predicted as conserved by GERP++ and PhyloP across 100 vertebrates. For these reasons, this variant has been classified as Pathogenic.

Molecular Genetics, Centre for Human Genetics
Classification: Pathogenic for Noonan syndrome 1. Review status: no assertion criteria provided. Collection method: clinical testing. Allele origin: de novo. Inheritance: Autosomal dominant inheritance. Affected: yes. Observed: 1 variant allele. Not counted in ClinVar's aggregate classification.

Literature cited by the submitters: PubMed 29493581 (cited by ClinGen RASopathy Variant Curation Expert Panel); PubMed 17143282 (cited by 5 submitters); PubMed 17143285 (cited by 3 submitters); PubMed 20607846 (cited by Ambry Genetics); PubMed 23487764 (cited by 3 submitters); PubMed 26918529 (cited by Ambry Genetics); PubMed 31370276 (cited by Ambry Genetics); PubMed 31560489 (cited by Ambry Genetics); PubMed 34643321 (cited by Ambry Genetics); PubMed 35904599 (cited by Ambry Genetics); PubMed 35979676 (cited by Ambry Genetics); PubMed 19020799 (cited by Labcorp Genetics (formerly Invitae), Labcorp); PubMed 19077116 (cited by Labcorp Genetics (formerly Invitae), Labcorp); PubMed 20186801 (cited by Labcorp Genetics (formerly Invitae), Labcorp); PubMed 21387466 (cited by Labcorp Genetics (formerly Invitae), Labcorp and Laboratory for Molecular Medicine, Mass General Brigham Personalized Medicine); PubMed 22420426 (cited by Labcorp Genetics (formerly Invitae), Labcorp); PubMed 22465605 (cited by Labcorp Genetics (formerly Invitae), Labcorp); PubMed 20133692 (cited by Labcorp Genetics (formerly Invitae), Labcorp).